The following is an entry in ClinVar:

NM_001080467.3(MYO5B):c.5236C>A (p.Leu1746Ile)

Genes: MYO5B (myosin VB; minus strand), SNHG22 (small nucleolar RNA host gene 22; plus strand). Cytogenetic location: 18q21.1.
Variant type: single nucleotide variant.
Coding change: c.5236C>A on transcript NM_001080467.3 (MANE Select); coding-DNA position 5236, C replaced by A.
Protein change: p.Leu1746Ile; replaces leucine 1746 with isoleucine.
Molecular consequence: missense variant.
Genome position (GRCh38, 1-based): chr18:49,836,788, G>T on the plus strand (C>A on the coding strand, the complement: MYO5B is on the minus strand). VCF-style: chr18-49836788-G-T. GRCh37 (hg19) VCF-style: chr18-47363158-G-T.
Other names: short protein forms L1746I.
Identifiers: ClinVar variation 1470989 (VCV001470989.5), dbSNP rs767619758, ClinGen allele CA8960112.

ClinVar aggregate classification (germline): Uncertain significance (1 of 4 stars; one submission).

Allele frequency attached by ClinVar (database versions not stated): gnomAD 0.00001; gnomAD exomes 0.00001 and 0.00002; ExAC 0.00002.
gnomAD v4.1: 28 of 1,614,086 alleles (0.0017%); highest among the groups gnomAD compares: Non-Finnish European, 0.0023%; no homozygotes.

Submission:

Labcorp Genetics (formerly Invitae), Labcorp
Classification: Uncertain significance. Last evaluated: 2022-02-05. Review status: criteria provided, single submitter. Criteria: Invitae Variant Classification Sherloc (09022015). Collection method: clinical testing. Allele origin: germline.
Comment: This sequence change replaces leucine, which is neutral and non-polar, with isoleucine, which is neutral and non-polar, at codon 1746 of the MYO5B protein (p.Leu1746Ile). This variant is present in population databases (rs767619758, gnomAD 0.003%). This variant has not been reported in the literature in individuals affected with MYO5B-related conditions. Algorithms developed to predict the effect of missense changes on protein structure and function are either unavailable or do not agree on the potential impact of this missense change (SIFT: "Deleterious"; PolyPhen-2: "Probably Damaging"; Align-GVGD: "Class C0"). In summary, the available evidence is currently insufficient to determine the role of this variant in disease. Therefore, it has been classified as a Variant of Uncertain Significance.